The following is an entry in ClinVar:

ClinVar aggregate classification (germline): Uncertain significance (1 of 4 stars; one submission).

Submission:

Ambry Genetics
Classification: Uncertain significance. Last evaluated: 2023-04-07. Review status: criteria provided, single submitter. Criteria: Ambry Variant Classification Scheme 2023. Collection method: clinical testing. Allele origin: germline.
Comment: The p.S701L variant (also known as c.2102C>T), located in coding exon 18 of the RAD54L gene, results from a C to T substitution at nucleotide position 2102. The serine at codon 701 is replaced by leucine, an amino acid with dissimilar properties. This amino acid position is conserved. In addition, the in silico prediction for this alteration is inconclusive. Since supporting evidence is limited at this time, the clinical significance of this alteration remains unclear.

NM_003579.4(RAD54L):c.2102C>T (p.Ser701Leu)

Genes: LRRC41 (leucine rich repeat containing 41; minus strand), RAD54L (RAD54 like; plus strand). Cytogenetic location: 1p34.1.
Variant type: single nucleotide variant.
Coding change: c.2102C>T on transcript NM_003579.4 (MANE Select); coding-DNA position 2102, C replaced by T.
Protein change: p.Ser701Leu; replaces serine 701 with leucine.
Molecular consequence: missense variant. On other transcripts: 3 prime UTR variant (1).
Genome position (GRCh38, 1-based): chr1:46,278,140, C>T. VCF-style: chr1-46278140-C-T. GRCh37 (hg19) VCF-style: chr1-46743812-C-T.
Other names: c.*725G>A (NM_006369.5); c.2102C>T, p.Ser701Leu (NM_001142548.2); c.1562C>T, p.Ser521Leu (NM_001370766.1); short protein forms S521L, S701L.
Identifiers: ClinVar variation 2562791 (VCV002562791.2), dbSNP rs1660677009, ClinGen allele CA340191120.
Genomic context (GRCh38, chr1:46,278,140, plus strand): 5'-GCCGACGTTGTGTCAACAGCCGTCAGATCCGGCCACCCCCTGATGGTTCTGACTGCACTT[C>T]AGACCTGGCAGGGTGGAACCACTGCACTGATAAGTGGGGGCTCCGGGATGAGGTACTCCA-3'
Protein context (NP_003570.2, residues 691-711): RPPPDGSDCT[Ser701Leu]DLAGWNHCTD